The following is an entry in ClinVar:

ClinVar aggregate classification (germline): Uncertain significance (1 of 4 stars; one submission).

Allele frequency attached by ClinVar (database versions not stated): gnomAD exomes below 0.00001.
gnomAD v4.1: 1 of 1,613,676 alleles (0.000062%); highest among the groups gnomAD compares: Non-Finnish European, 0.000085%; no homozygotes.

Submission:

Labcorp Genetics (formerly Invitae), Labcorp
Classification: Uncertain significance. Last evaluated: 2024-05-16. Review status: criteria provided, single submitter. Criteria: Invitae Variant Classification Sherloc (09022015). Collection method: clinical testing. Allele origin: germline.
Comment: This sequence change replaces glutamic acid, which is acidic and polar, with lysine, which is basic and polar, at codon 376 of the MSH3 protein (p.Glu376Lys). This variant is not present in population databases (gnomAD no frequency). This variant has not been reported in the literature in individuals affected with MSH3-related conditions. ClinVar contains an entry for this variant (Variation ID: 2041906). An algorithm developed to predict the effect of missense changes on protein structure and function (PolyPhen-2) suggests that this variant is likely to be disruptive. In summary, the available evidence is currently insufficient to determine the role of this variant in disease. Therefore, it has been classified as a Variant of Uncertain Significance.

NM_002439.5(MSH3):c.1126G>A (p.Glu376Lys)

Gene: MSH3 (mutS homolog 3; plus strand). Cytogenetic location: 5q14.1.
Variant type: single nucleotide variant.
Coding change: c.1126G>A on transcript NM_002439.5 (MANE Select); coding-DNA position 1126, G replaced by A.
Protein change: p.Glu376Lys; replaces glutamic acid 376 with lysine.
Molecular consequence: missense variant.
Genome position (GRCh38, 1-based): chr5:80,675,081, G>A. VCF-style: chr5-80675081-G-A. GRCh37 (hg19) VCF-style: chr5-79970900-G-A.
Other names: short protein forms E376K.
Identifiers: ClinVar variation 2041906 (VCV002041906.4), dbSNP rs1294556697, ClinGen allele CA360268189.
Genomic context (GRCh38, chr5:80,675,081, plus strand): 5'-GTTGATGAGATAATGACTGATACTTCTACCAGCTATCTTCTGTGCATCTCTGAAAATAAG[G>A]AAAATGTTAGGGACAAAAAAAAGGGCAACATTTTTATTGGCATTGTGGTAAGTACTTTGC-3'
Protein context (NP_002430.3, residues 366-386): SYLLCISENK[Glu376Lys]NVRDKKKGNI